The following is an entry in ClinVar:

ClinVar aggregate classification (germline): Uncertain significance (1 of 4 stars; one submission).

gnomAD v4.1: 1 of 1,614,176 alleles (0.000062%); no homozygotes.

Submission:

Dasa
Classification: Uncertain significance. Last evaluated: 2025-01-29. Review status: criteria provided, single submitter. Criteria: DASA Assertion Criteria. Collection method: clinical testing. Allele origin: germline.
Comment: NM_007118.4(TRIO):c.1823A>G (p.Lys608Arg) is a missense variant that results in the substitution of lysine with arginine. The currently available literature and clinical evidence are not sufficient to establish a definitive association between this variant and the reported condition. Therefore, this variant is classified as a variant of uncertain significance.

NM_007118.4(TRIO):c.1823A>G (p.Lys608Arg)

Gene: TRIO (trio Rho guanine nucleotide exchange factor; plus strand). Cytogenetic location: 5p15.2.
Variant type: single nucleotide variant.
Coding change: c.1823A>G on transcript NM_007118.4 (MANE Select); coding-DNA position 1823, A replaced by G.
Protein change: p.Lys608Arg; replaces lysine 608 with arginine.
Molecular consequence: missense variant. On other transcripts: non-coding transcript variant (1).
Genome position (GRCh38, 1-based): chr5:14,330,869, A>G. VCF-style: chr5-14330869-A-G. GRCh37 (hg19) VCF-style: chr5-14330978-A-G.
Other names: short protein forms K608R.
Identifiers: ClinVar variation 4881117 (VCV004881117.2).
Genomic context (GRCh38, chr5:14,330,869, plus strand): 5'-CATTTCTGAGCAAACATACAGGTGTGGGGAAATCTCTTCATCGGGCCAGAGCATTGCAGA[A>G]ACGTCATGAAGATTTTGAAGAAGTGGCACAGGTAAAACAATGGCTTCTATTATTTTATCC-3'
Protein context (NP_009049.2, residues 598-618): KSLHRARALQ[Lys608Arg]RHEDFEEVAQ